The following is an entry in ClinVar:

NM_001291303.3(FAT4):c.4957G>A (p.Ala1653Thr)

Gene: FAT4 (FAT atypical cadherin 4; plus strand). Cytogenetic location: 4q28.1.
Variant type: single nucleotide variant.
Coding change: c.4957G>A on transcript NM_001291303.3 (MANE Select); coding-DNA position 4957, G replaced by A.
Protein change: p.Ala1653Thr; replaces alanine 1653 with threonine.
Molecular consequence: missense variant.
Genome position (GRCh38, 1-based): chr4:125,321,368, G>A. VCF-style: chr4-125321368-G-A. GRCh37 (hg19) VCF-style: chr4-126242523-G-A.
Other names: c.4957G>A, p.Ala1653Thr (NM_001291285.3, NM_024582.6); short protein forms A1653T.
Identifiers: ClinVar variation 1999443 (VCV001999443.4), dbSNP rs1366989499, ClinGen allele CA358129137.

ClinVar aggregate classification (germline): Uncertain significance (1 of 4 stars; one submission).

Allele frequency attached by ClinVar (database versions not stated): TOPMed below 0.00001; gnomAD exomes 0.00001.
gnomAD v4.1: 19 of 1,614,138 alleles (0.0012%); highest among the groups gnomAD compares: Non-Finnish European, 0.0016%; no homozygotes.

Submission:

Labcorp Genetics (formerly Invitae), Labcorp
Classification: Uncertain significance. Last evaluated: 2022-05-27. Review status: criteria provided, single submitter. Criteria: Invitae Variant Classification Sherloc (09022015). Collection method: clinical testing. Allele origin: germline.
Comment: Advanced modeling of protein sequence and biophysical properties (such as structural, functional, and spatial information, amino acid conservation, physicochemical variation, residue mobility, and thermodynamic stability) performed at Invitae indicates that this missense variant is not expected to disrupt FAT4 protein function. In summary, the available evidence is currently insufficient to determine the role of this variant in disease. Therefore, it has been classified as a Variant of Uncertain Significance. This variant has not been reported in the literature in individuals affected with FAT4-related conditions. This variant is present in population databases (no rsID available, gnomAD 0.0009%). This sequence change replaces alanine, which is neutral and non-polar, with threonine, which is neutral and polar, at codon 1653 of the FAT4 protein (p.Ala1653Thr).